The following is an entry in ClinVar:

NM_017763.6(RNF43):c.451-4G>C

Gene: RNF43 (ring finger protein 43; minus strand). Cytogenetic location: 17q22.
Variant type: single nucleotide variant.
Coding change: c.451-4G>C on transcript NM_017763.6 (MANE Select); 4 bases into the intron before coding-DNA position 451, G replaced by C.
Molecular consequence: intron variant.
Genome position (GRCh38, 1-based): chr17:58,363,410, C>G on the plus strand (G>C on the coding strand, the complement: RNF43 is on the minus strand). VCF-style: chr17-58363410-C-G. GRCh37 (hg19) VCF-style: chr17-56440771-C-G.
Other names: c.451-4G>C (NM_001438822.1, NM_001305544.3, NM_001438820.1 and 1 more transcripts); c.70-4G>C (NM_001305545.2, NM_001437987.1).
Identifiers: ClinVar variation 3946814 (VCV003946814.2).

ClinVar aggregate classification (germline): Likely benign. Review status: criteria provided, multiple submitters, no conflicts (2 of 4 stars). 2 submissions from 2 submitters: Likely benign (2). Last evaluated 2026-06-26.

Conditions:
Sessile serrated polyposis cancer syndrome (SSPCS). Identifiers: Orphanet 157798, MedGen C4310714, MONDO:0014919, OMIM 617108.

gnomAD v4.1: 5 of 1,614,150 alleles (0.00031%); highest among the groups gnomAD compares: Non-Finnish European, 0.00042%; no homozygotes.

Submissions (2):

Myriad Genetics, Inc.
Classification: Likely benign for Sessile serrated polyposis cancer syndrome. Last evaluated: 2026-06-26. Review status: criteria provided, single submitter. Criteria: Myriad Autosomal Dominant, Autosomal Recessive and X-Linked Classification Criteria (2023). Collection method: clinical testing. Allele origin: unknown.
Comment: This variant is considered likely benign. This variant is intronic and is not expected to impact mRNA splicing.

Ambry Genetics
Classification: Likely benign. Last evaluated: 2025-05-25. Review status: criteria provided, single submitter. Criteria: Ambry Variant Classification Scheme 2023. Collection method: clinical testing. Allele origin: germline.